The following is an entry in ClinVar:

NM_004444.5(EPHB4):c.1636G>C (p.Val546Leu)

Gene: EPHB4 (EPH receptor B4; minus strand). Cytogenetic location: 7q22.1.
Variant type: single nucleotide variant.
Coding change: c.1636G>C on transcript NM_004444.5 (MANE Select); coding-DNA position 1636, G replaced by C.
Protein change: p.Val546Leu; replaces valine 546 with leucine.
Molecular consequence: missense variant.
Genome position (GRCh38, 1-based): chr7:100,813,974, C>G on the plus strand (G>C on the coding strand, the complement: EPHB4 is on the minus strand). VCF-style: chr7-100813974-C-G. GRCh37 (hg19) VCF-style: chr7-100411596-C-G.
Other names: short protein forms V546L.
Identifiers: ClinVar variation 2691285 (VCV002691285.1), dbSNP rs1813007018, ClinGen allele CA368571821.
Genomic context (GRCh38, chr7:100,813,974, plus strand): 5'-CTTACCTGAGGCAGAGAACTGCGACCACAATGACCACCAGGACCAGGACCACACCCACGA[C>G]TGCCGTGCCCGCAATCAGGGCCAGCTGCTCCCGCCAGCCCTCGCTCTCTGCGGAAGGAAA-3'
Protein context (NP_004435.3, residues 536-556): EQLALIAGTA[Val546Leu]VGVVLVLVVI

ClinVar aggregate classification (germline): Uncertain significance (1 of 4 stars; one submission).

Allele frequency attached by ClinVar (database versions not stated): gnomAD exomes below 0.00001; TOPMed 0.00002.
gnomAD v4.1: 3 of 1,614,198 alleles (0.00019%); highest among the groups gnomAD compares: African/African-American, 0.004%; no homozygotes.

Submission:

Women's Health and Genetics/Laboratory Corporation of America, LabCorp
Classification: Uncertain significance. Last evaluated: 2023-12-15. Review status: criteria provided, single submitter. Criteria: LabCorp Variant Classification Summary - May 2015. Collection method: clinical testing. Allele origin: germline.
Comment: Variant summary: EPHB4 c.1636G>C (p.Val546Leu) results in a conservative amino acid change located in the Ephrin receptor, transmembrane domain of the encoded protein sequence. Five of five in-silico tools predict a benign effect of the variant on protein function. The variant was absent in 250976 control chromosomes. The available data on variant occurrences in the general population are insufficient to allow any conclusion about variant significance. To our knowledge, no occurrence of c.1636G>C in individuals affected with Capillary Malformation-Arteriovenous Malformation 2 and no experimental evidence demonstrating its impact on protein function have been reported. No submitters have cited clinical-significance assessments for this variant to ClinVar after 2014. Based on the evidence outlined above, the variant was classified as uncertain significance.